The following is an entry in ClinVar:

ClinVar aggregate classification (germline): Uncertain significance. Review status: criteria provided, multiple submitters, no conflicts (2 of 4 stars). 4 submissions from 4 submitters: Uncertain significance (4). Last evaluated 2026-01-12.

Conditions:
Autosomal recessive severe congenital neutropenia due to CSF3R deficiency. Also called: Neutropenia, severe congenital, 7, autosomal recessive. Identifiers: Orphanet 420702, MedGen C4310764, MONDO:0014865, OMIM 617014.

Allele frequency attached by ClinVar (database versions not stated): gnomAD 0.00001; ExAC 0.00003; gnomAD exomes 0.00004; TOPMed 0.00005.

Submissions (4):

Labcorp Genetics (formerly Invitae), Labcorp
Classification: Uncertain significance for Autosomal recessive severe congenital neutropenia due to CSF3R deficiency. Last evaluated: 2026-01-12. Review status: criteria provided, single submitter. Criteria: Invitae Variant Classification Sherloc (09022015). Collection method: clinical testing. Allele origin: germline.
Comment: This sequence change replaces aspartic acid, which is acidic and polar, with asparagine, which is neutral and polar, at codon 810 of the CSF3R protein (p.Asp810Asn). This variant is present in population databases (rs567871402, gnomAD 0.006%). This variant has not been reported in the literature in individuals affected with CSF3R-related conditions. ClinVar contains an entry for this variant (Variation ID: 1026532). An algorithm developed to predict the effect of missense changes on protein structure and function (PolyPhen-2) suggests that this variant is likely to be tolerated. In summary, the available evidence is currently insufficient to determine the role of this variant in disease. Therefore, it has been classified as a Variant of Uncertain Significance.

Blueprint Genetics
Classification: Uncertain significance. Last evaluated: 2024-07-02. Review status: criteria provided, single submitter. Criteria: ACMG Guidelines, 2015. Collection method: clinical testing. Allele origin: germline.

Mayo Clinic Laboratories, Mayo Clinic
Classification: Uncertain significance. Last evaluated: 2023-12-06. Review status: criteria provided, single submitter. Criteria: ACMG Guidelines, 2015. Collection method: clinical testing. Allele origin: germline. Observed: 7 variant alleles.
Comment: BP4

Genetic Services Laboratory, University of Chicago
Classification: Uncertain significance. Last evaluated: 2021-05-27. Review status: criteria provided, single submitter. Criteria: ACMG Guidelines, 2015. Collection method: clinical testing. Allele origin: germline. Affected: no.
Comment: DNA sequence analysis of the CSF3R gene demonstrated a sequence change, c.2428G>A, in exon 17 that results in an amino acid change, p.Asp810Asn. This sequence change has been described in gnomAD with a frequency of 0.0062% in the Non-Finnish European sub-population (dbSNP rs567871402). The p.Asp810Asn change affects a moderately conserved amino acid residue located in a domain of the CSF3R protein that is not known to be functional. In-silico pathogenicity prediction tools (SIFT, PolyPhen2, Align GVGD, REVEL) provide contradictory results for the p.Asp810Asn substitution. This sequence change does not appear to have been previously described in patients with CSF3R-related disorders. Due to the lack of sufficient evidences, the clinical significance of the p.Asp810Asn change remains unknown at this time.

Literature cited by the submitters: PubMed 31911633 (cited by Mayo Clinic Laboratories, Mayo Clinic).

NM_000760.4(CSF3R):c.2428G>A (p.Asp810Asn)

Gene: CSF3R (colony stimulating factor 3 receptor; minus strand). Cytogenetic location: 1p34.3.
Variant type: single nucleotide variant.
Coding change: c.2428G>A on transcript NM_000760.4 (MANE Select); coding-DNA position 2428, G replaced by A.
Protein change: p.Asp810Asn; replaces aspartic acid 810 with asparagine.
Molecular consequence: missense variant. On other transcripts: intron variant (1).
Genome position (GRCh38, 1-based): chr1:36,466,440, C>T on the plus strand (G>A on the coding strand, the complement: CSF3R is on the minus strand). VCF-style: chr1-36466440-C-T. GRCh37 (hg19) VCF-style: chr1-36932041-C-T.
Other names: p.Asp810Asn; c.2509G>A, p.Asp837Asn (NM_156039.3); c.2247+181G>A (NM_172313.3); short protein forms D810N, D837N.
Identifiers: ClinVar variation 1026532 (VCV001026532.14), dbSNP rs567871402, ClinGen allele CA768894.